The following is an entry in ClinVar:

ClinVar aggregate classification (germline): Uncertain significance (1 of 4 stars; one submission).

Allele frequency attached by ClinVar (database versions not stated): TOPMed below 0.00001.
gnomAD v4.1: 2 of 1,613,750 alleles (0.00012%); highest among the groups gnomAD compares: Non-Finnish European, 0.00017%; no homozygotes.

Submission:

HudsonAlpha Institute for Biotechnology
Classification: Uncertain significance. Last evaluated: 2021-04-16. Review status: criteria provided, single submitter. Criteria: ACMG Guidelines, 2015. Collection method: research. Allele origin: unknown. Observed: 1 variant allele. Study: HudsonAlpha-AGHI-WGS.
Comment: ACMG codes:PM2

NM_002807.4(PSMD1):c.418C>T (p.Arg140Ter)

Gene: PSMD1 (proteasome 26S subunit, non-ATPase 1; plus strand). Cytogenetic location: 2q37.1.
Variant type: single nucleotide variant.
Coding change: c.418C>T on transcript NM_002807.4 (MANE Select); coding-DNA position 418, C replaced by T.
Protein change: p.Arg140Ter; replaces arginine 140 with a stop codon.
Molecular consequence: nonsense. On other transcripts: non-coding transcript variant (1).
Genome position (GRCh38, 1-based): chr2:231,067,019, C>T. VCF-style: chr2-231067019-C-T. GRCh37 (hg19) VCF-style: chr2-231931733-C-T.
Other names: c.418C>T, p.Arg140Ter (NM_001191037.2); short protein forms R140*.
Identifiers: ClinVar variation 1251946 (VCV001251946.1), dbSNP rs1693924262, ClinGen allele CA350953621.
Genomic context (GRCh38, chr2:231,067,019, plus strand): 5'-GAAGGAGAAAAAAAACCAATTGACCAGAGATTGGAAGGCATCGTAAATAAAATGTTCCAG[C>T]GATGTCTAGATGATCACAAGTATAAACAGGCTATTGGCATTGCTCTGGAGACACGAAGAC-3'